The following is an entry in ClinVar:

ClinVar aggregate classification (germline): Benign/Likely benign. Review status: criteria provided, multiple submitters, no conflicts (2 of 4 stars). 3 submissions from 2 submitters: Benign (1); Likely benign (2). Last evaluated 2021-05-14.

Conditions:
Autosomal dominant nonsyndromic hearing loss 17. Also called: Autosomal dominant nonsyndromic deafness 17; Deafness, autosomal dominant 17. Identifiers: Orphanet 90635, MedGen C1863659, MONDO:0011350, OMIM 603622.
MYH9-related disorder. Identifiers: MedGen C1854520.

Allele frequency attached by ClinVar (database versions not stated): 1000 Genomes Project 0.00180; 1000 Genomes Project 30x 0.00203; TOPMed 0.00505; gnomAD exomes 0.00666; gnomAD 0.00736 and 0.00779.
gnomAD v4.1: 1,661 of 233,722 alleles (0.71%); highest among the groups gnomAD compares: Non-Finnish European, 0.88%; 10 homozygotes.

Submissions (3):

GeneDx
Classification: Likely benign. Last evaluated: 2021-05-14. Review status: criteria provided, single submitter. Criteria: GeneDx Variant Classification Process June 2021. Collection method: clinical testing. Allele origin: germline. Affected: yes.

Illumina Laboratory Services, Illumina
Classification: Benign for MYH9-related disorder. Last evaluated: 2018-01-13. Review status: criteria provided, single submitter. Criteria: ICSL Variant Classification Criteria 13 December 2019. Collection method: clinical testing. Allele origin: germline.
Comment: This variant was observed in the ICSL laboratory as part of a predisposition screen in an ostensibly healthy population. It had not been previously curated by ICSL or reported in the Human Gene Mutation Database (HGMD: prior to June 1st, 2018), and was therefore a candidate for classification through an automated scoring system. Utilizing variant allele frequency, disease prevalence and penetrance estimates, and inheritance mode, an automated score was calculated to assess if this variant is too frequent to cause the disease. Based on the score and internal cut-off values, a variant classified as benign is not then subjected to further curation. The score for this variant resulted in a classification of benign for this disease.

Illumina Laboratory Services, Illumina
Classification: Likely benign for Autosomal dominant nonsyndromic hearing loss 17. Last evaluated: 2018-01-13. Review status: criteria provided, single submitter. Criteria: ICSL Variant Classification Criteria 13 December 2019. Collection method: clinical testing. Allele origin: germline.
Comment: This variant was observed in the ICSL laboratory as part of a predisposition screen in an ostensibly healthy population. It had not been previously curated by ICSL or reported in the Human Gene Mutation Database (HGMD: prior to June 1st, 2018), and was therefore a candidate for classification through an automated scoring system. Utilizing variant allele frequency, disease prevalence and penetrance estimates, and inheritance mode, an automated score was calculated to assess if this variant is too frequent to cause the disease. Based on the score and internal cut-off values, a variant classified as likely benign is not then subjected to further curation. The score for this variant resulted in a classification of likely benign for this disease.

NM_002473.6(MYH9):c.*686C>T

Gene: MYH9 (myosin heavy chain 9; minus strand). Cytogenetic location: 22q12.3.
Variant type: single nucleotide variant.
Coding change: c.*686C>T on transcript NM_002473.6 (MANE Select); 686 bases downstream of the stop codon, C replaced by T.
Molecular consequence: 3 prime UTR variant.
Genome position (GRCh38, 1-based): chr22:36,281,982, G>A on the plus strand (C>T on the coding strand, the complement: MYH9 is on the minus strand). VCF-style: chr22-36281982-G-A. GRCh37 (hg19) VCF-style: chr22-36678028-G-A.
Identifiers: ClinVar variation 341472 (VCV000341472.6), dbSNP rs55994070, ClinGen allele CA10653451.